The following is an entry in ClinVar:

ClinVar aggregate classification (germline): Uncertain significance. Review status: criteria provided, multiple submitters, no conflicts (2 of 4 stars). 2 submissions from 2 submitters: Uncertain significance (2). Last evaluated 2025-08-28.

Conditions:
Inborn genetic diseases. Identifiers: MedGen C0950123, MeSH D030342.

Allele frequency attached by ClinVar (database versions not stated): ExAC 0.00001; gnomAD 0.00001; gnomAD exomes 0.00001.
gnomAD v4.1: 4 of 1,613,998 alleles (0.00025%); highest among the groups gnomAD compares: Admixed American, 0.005%; no homozygotes.

Submissions (2):

Ambry Genetics
Classification: Uncertain significance for Inborn genetic diseases. Last evaluated: 2025-08-28. Review status: criteria provided, single submitter. Criteria: Ambry Variant Classification Scheme 2023. Collection method: clinical testing. Allele origin: germline.

GeneDx
Classification: Uncertain significance. Last evaluated: 2022-02-18. Review status: criteria provided, single submitter. Criteria: GeneDx Variant Classification Process June 2021. Collection method: clinical testing. Allele origin: germline. Affected: yes.
Comment: Not observed at significant frequency in large population cohorts (gnomAD); In silico analysis supports that this missense variant does not alter protein structure/function; Has not been previously published as pathogenic or benign to our knowledge

NM_015340.4(LARS2):c.668A>G (p.His223Arg)

Gene: LARS2 (leucyl-tRNA synthetase 2, mitochondrial; plus strand). Cytogenetic location: 3p21.31.
Variant type: single nucleotide variant.
Coding change: c.668A>G on transcript NM_015340.4 (MANE Select); coding-DNA position 668, A replaced by G.
Protein change: p.His223Arg; replaces histidine 223 with arginine.
Molecular consequence: missense variant.
Genome position (GRCh38, 1-based): chr3:45,458,804, A>G. VCF-style: chr3-45458804-A-G. GRCh37 (hg19) VCF-style: chr3-45500296-A-G.
Other names: c.668A>G, p.His223Arg (NM_001368263.1); short protein forms H223R.
Identifiers: ClinVar variation 1702811 (VCV001702811.5), dbSNP rs775913371, ClinGen allele CA2349383.